The following is an entry in ClinVar:

NM_000238.4(KCNH2):c.917-1G>T

Gene: KCNH2 (potassium voltage-gated channel subfamily H member 2; minus strand). Cytogenetic location: 7q36.1.
Variant type: single nucleotide variant.
Coding change: c.917-1G>T on transcript NM_000238.4 (MANE Select); the canonical splice acceptor site of the intron before coding-DNA position 917, G replaced by T.
Molecular consequence: splice acceptor variant.
Genome position (GRCh38, 1-based): chr7:150,957,503, C>A on the plus strand (G>T on the coding strand, the complement: KCNH2 is on the minus strand). VCF-style: chr7-150957503-C-A. GRCh37 (hg19) VCF-style: chr7-150654591-C-A.
Other names: c.629-1G>T (NM_001406753.1, NM_001406756.1); c.917-1G>T (NM_172056.3); c.740-1G>T (NM_001406755.1); c.617-1G>T (NM_001406757.1).
Identifiers: ClinVar variation 1766052 (VCV001766052.2), dbSNP rs2486083513, ClinGen allele CA369861971.

ClinVar aggregate classification (germline): Likely pathogenic (1 of 4 stars; one submission).

Conditions:
Cardiovascular phenotype. Identifiers: MedGen CN230736.

Submission:

Ambry Genetics
Classification: Likely pathogenic for Cardiovascular phenotype. Last evaluated: 2020-10-29. Review status: criteria provided, single submitter. Criteria: Ambry Variant Classification Scheme 2023. Collection method: clinical testing. Allele origin: germline.
Comment: The c.917-1G>T intronic variant results from a G to T substitution one nucleotide upstream from coding exon 5 of the KCNH2 gene. This nucleotide position is highly conserved in available vertebrate species. In silico splice site analysis predicts that this alteration will weaken the native splice acceptor site. Alterations that disrupt the canonical splice site are expected to cause aberrant splicing, resulting in an abnormal protein or a transcript that is subject to nonsense-mediated mRNA decay. As such, this alteration is classified as likely pathogenic.